The following is an entry in ClinVar:

NM_001367624.2(ZNF469):c.8410G>A (p.Glu2804Lys)

Gene: ZNF469 (zinc finger protein 469; plus strand). Cytogenetic location: 16q24.2.
Variant type: single nucleotide variant.
Coding change: c.8410G>A on transcript NM_001367624.2 (MANE Select); coding-DNA position 8410, G replaced by A.
Protein change: p.Glu2804Lys; replaces glutamic acid 2804 with lysine.
Molecular consequence: missense variant.
Genome position (GRCh38, 1-based): chr16:88,435,880, G>A. VCF-style: chr16-88435880-G-A. GRCh37 (hg19) VCF-style: chr16-88502288-G-A.
Other names: NM_001127464.1:c.8326G>A; short protein forms E2804K.
Identifiers: ClinVar variation 1696891 (VCV001696891.4), dbSNP rs973157263, ClinGen allele CA286384014.
Genomic context (GRCh38, chr16:88,435,880, plus strand): 5'-CGATCAGAGGAAGGTGTCTGGGAGGAGAACACGCCCCCCTTGGGCCCCCTGGGTTTTCCC[G>A]AGACTTCCAGCTCTCCGGCGGACAGCACCACCAGCAGCTGCCTCCAGGGCCTCCCGGACA-3'
Protein context (NP_001354553.1, residues 2794-2814): TPPLGPLGFP[Glu2804Lys]TSSSPADSTT

ClinVar aggregate classification (germline): Conflicting classifications of pathogenicity. Review status: criteria provided, conflicting classifications (1 of 4 stars). 2 submissions from 2 submitters: Uncertain significance (1); Likely benign (1). Last evaluated 2024-09-09.

Conditions:
Cardiovascular phenotype. Identifiers: MedGen CN230736.

Allele frequency attached by ClinVar (database versions not stated): gnomAD exomes 0.00002.
gnomAD v4.1: 19 of 1,550,032 alleles (0.0012%); highest among the groups gnomAD compares: East Asian, 0.0073%; no homozygotes.

Submissions (2):

GeneDx
Classification: Uncertain significance. Last evaluated: 2024-09-09. Review status: criteria provided, single submitter. Criteria: GeneDx Variant Classification Process June 2021. Collection method: clinical testing. Allele origin: germline. Affected: yes.
Comment: Has not been previously published as pathogenic or benign to our knowledge; Not observed at significant frequency in large population cohorts (gnomAD); In silico analysis supports that this missense variant does not alter protein structure/function

Ambry Genetics
Classification: Likely benign for Cardiovascular phenotype. Last evaluated: 2024-05-29. Review status: criteria provided, single submitter. Criteria: Ambry Variant Classification Scheme 2023. Collection method: clinical testing. Allele origin: germline.